The following is an entry in ClinVar:

NM_015425.6(POLR1A):c.1999C>T (p.Arg667Cys)

Gene: POLR1A (RNA polymerase I subunit A; minus strand). Cytogenetic location: 2p11.2.
Variant type: single nucleotide variant.
Coding change: c.1999C>T on transcript NM_015425.6 (MANE Select); coding-DNA position 1999, C replaced by T.
Protein change: p.Arg667Cys; replaces arginine 667 with cysteine.
Molecular consequence: missense variant.
Genome position (GRCh38, 1-based): chr2:86,065,333, G>A on the plus strand (C>T on the coding strand, the complement: POLR1A is on the minus strand). VCF-style: chr2-86065333-G-A. GRCh37 (hg19) VCF-style: chr2-86292456-G-A.
Other names: c.1999C>T (NM_015425.3); short protein forms R667C.
Identifiers: ClinVar variation 1391088 (VCV001391088.9), dbSNP rs548777142, ClinGen allele CA1746196.

ClinVar aggregate classification (germline): Uncertain significance. Review status: criteria provided, multiple submitters, no conflicts (2 of 4 stars). 2 submissions from 2 submitters: Uncertain significance (2). Last evaluated 2026-06-23.

Conditions:
Inborn genetic diseases. Identifiers: MedGen C0950123, MeSH D030342.

Allele frequency attached by ClinVar (database versions not stated): ExAC 0.00007; gnomAD 0.00005; gnomAD exomes 0.00007; 1000 Genomes Project 0.00020; TOPMed 0.00008; 1000 Genomes Project 30x 0.00016.
gnomAD v4.1: 78 of 1,614,076 alleles (0.0048%); highest among the groups gnomAD compares: East Asian, 0.047%; no homozygotes.

Submissions (2):

Ambry Genetics
Classification: Uncertain significance for Inborn genetic diseases. Last evaluated: 2026-06-23. Review status: criteria provided, single submitter. Criteria: Ambry Variant Classification Scheme 2023. Collection method: clinical testing. Allele origin: germline.
Comment: The c.1999C>T (p.R667C) alteration is located in exon 14 (coding exon 14) of the POLR1A gene. This alteration results from a C to T substitution at nucleotide position 1999, causing the arginine (R) at amino acid position 667 to be replaced by a cysteine (C). Based on data from gnomAD, the T allele has an overall frequency of 0.007% (19/280820) total alleles studied. The highest observed frequency was 0.014% (5/35364) of Latino alleles. Based on insufficient or conflicting evidence, the clinical significance of this alteration remains unclear.

Labcorp Genetics (formerly Invitae), Labcorp
Classification: Uncertain significance. Last evaluated: 2025-12-14. Review status: criteria provided, single submitter. Criteria: Invitae Variant Classification Sherloc (09022015). Collection method: clinical testing. Allele origin: germline.
Comment: This sequence change replaces arginine, which is basic and polar, with cysteine, which is neutral and slightly polar, at codon 667 of the POLR1A protein (p.Arg667Cys). This variant is present in population databases (rs548777142, gnomAD 0.01%). This variant has not been reported in the literature in individuals affected with POLR1A-related conditions. ClinVar contains an entry for this variant (Variation ID: 1391088). Invitae Evidence Modeling of protein sequence and biophysical properties (such as structural, functional, and spatial information, amino acid conservation, physicochemical variation, residue mobility, and thermodynamic stability) indicates that this missense variant is expected to disrupt POLR1A protein function with a positive predictive value of 80%. In summary, the available evidence is currently insufficient to determine the role of this variant in disease. Therefore, it has been classified as a Variant of Uncertain Significance.